The following is an entry in ClinVar:

NM_153046.3(TDRD9):c.*1G>A

Gene: TDRD9 (tudor domain containing 9; plus strand). Cytogenetic location: 14q32.33.
Variant type: single nucleotide variant.
Coding change: c.*1G>A on transcript NM_153046.3 (MANE Select); 1 bases downstream of the stop codon, G replaced by A.
Molecular consequence: 3 prime UTR variant.
Genome position (GRCh38, 1-based): chr14:104,052,083, G>A. VCF-style: chr14-104052083-G-A. GRCh37 (hg19) VCF-style: chr14-104518420-G-A.
Identifiers: ClinVar variation 3055448 (VCV003055448.2), dbSNP rs45550534, ClinGen allele CA7369234.

ClinVar aggregate classification (germline): Benign (0 of 4 stars; one submission).

Conditions:
TDRD9-related disorder. Also called: TDRD9-related condition.

Allele frequency attached by ClinVar (database versions not stated): 1000 Genomes Project 30x 0.03420; 1000 Genomes Project 0.03454; ESP Exome Variant Server 0.04636; gnomAD 0.04697; TOPMed 0.04801; gnomAD exomes 0.05730; ExAC 0.07085.
gnomAD v4.1: 87,919 of 1,564,296 alleles (5.6%); highest among the groups gnomAD compares: Middle Eastern, 6.9%; 2,843 homozygotes.

Submission:

PreventionGenetics, part of Exact Sciences
Classification: Benign for TDRD9-related condition. Last evaluated: 2019-12-19. Review status: no assertion criteria provided. Collection method: clinical testing. Allele origin: germline.
Comment: This variant is classified as benign based on ACMG/AMP sequence variant interpretation guidelines (Richards et al. 2015 PMID: 25741868, with internal and published modifications).